The following is an entry in ClinVar:

NM_014956.5(CEP164):c.3322G>T (p.Val1108Leu)

Gene: CEP164 (centrosomal protein 164; plus strand). Cytogenetic location: 11q23.3.
Variant type: single nucleotide variant.
Coding change: c.3322G>T on transcript NM_014956.5 (MANE Select); coding-DNA position 3322, G replaced by T.
Protein change: p.Val1108Leu; replaces valine 1108 with leucine.
Molecular consequence: missense variant.
Genome position (GRCh38, 1-based): chr11:117,397,134, G>T. VCF-style: chr11-117397134-G-T. GRCh37 (hg19) VCF-style: chr11-117267850-G-T.
Other names: c.3331G>T, p.Val1111Leu (NM_001271933.2); short protein forms V1111L, V1108L.
Identifiers: ClinVar variation 2147139 (VCV002147139.3), dbSNP rs2045579139, ClinGen allele CA382735442.

ClinVar aggregate classification (germline): Uncertain significance (1 of 4 stars; one submission).

Conditions:
Nephronophthisis 15 (NPHP15). Identifiers: Orphanet 3156, MedGen C3541853, MONDO:0013917, OMIM 614845.

Allele frequency attached by ClinVar (database versions not stated): gnomAD exomes below 0.00001; TOPMed below 0.00001.
gnomAD v4.1: 1 of 1,614,174 alleles (0.000062%); highest among the groups gnomAD compares: Non-Finnish European, 0.000085%; no homozygotes.

Submission:

Labcorp Genetics (formerly Invitae), Labcorp
Classification: Uncertain significance for Nephronophthisis 15. Last evaluated: 2022-08-30. Review status: criteria provided, single submitter. Criteria: Invitae Variant Classification Sherloc (09022015). Collection method: clinical testing. Allele origin: germline.
Comment: This sequence change replaces valine, which is neutral and non-polar, with leucine, which is neutral and non-polar, at codon 1108 of the CEP164 protein (p.Val1108Leu). This variant is not present in population databases (gnomAD no frequency). This variant has not been reported in the literature in individuals affected with CEP164-related conditions. Algorithms developed to predict the effect of missense changes on protein structure and function output the following: SIFT: "Tolerated"; PolyPhen-2: "Benign"; Align-GVGD: "Class C0". The leucine amino acid residue is found in multiple mammalian species, which suggests that this missense change does not adversely affect protein function. In summary, the available evidence is currently insufficient to determine the role of this variant in disease. Therefore, it has been classified as a Variant of Uncertain Significance.